The following is an entry in ClinVar:

NM_001379610.1(SPINK1):c.165del (p.Asn56fs)

Gene: SPINK1 (serine peptidase inhibitor Kazal type 1; minus strand). Cytogenetic location: 5q32.
Variant type: Deletion.
Coding change: c.165del on transcript NM_001379610.1 (MANE Select); coding-DNA position 165, one base deleted (C; older notation c.165delC).
Protein change: p.Asn56fs; shifts the reading frame from asparagine 56.
Molecular consequence: frameshift variant.
Genome position (GRCh38, 1-based): chr5:147,828,051, G deleted on the plus strand (C on the coding strand, the reverse complement: SPINK1 is on the minus strand); the first of 3 consecutive G bases (chr5:147,828,051-147,828,053); deleting any one gives the same sequence. VCF-style (leftmost placement, unchanged base first): chr5-147828050-TG-T. GRCh37 (hg19) VCF-style: chr5-147207613-TG-T.
Other names: c.165del, p.Asn56fs (NM_001354966.2, NM_003122.5); short protein forms N56fs.
Identifiers: ClinVar variation 987821 (VCV000987821.5), dbSNP rs1756441909, ClinGen allele CA1082703393.

ClinVar aggregate classification (germline): Conflicting classifications of pathogenicity. Review status: criteria provided, conflicting classifications (1 of 4 stars). 2 submissions from 2 submitters: Likely pathogenic (1); Uncertain significance (1). Last evaluated 2026-06-24.

Conditions:
Hereditary pancreatitis (PCTT). Also called: Hereditary chronic pancreatitis; PRSS1-Related Hereditary Pancreatitis. Identifiers: Orphanet 676, MedGen C0238339, MONDO:0008185, OMIM 167800.

Submissions (2):

Ambry Genetics
Classification: Likely pathogenic for Hereditary pancreatitis. Last evaluated: 2026-06-24. Review status: criteria provided, single submitter. Criteria: Ambry Variant Classification Scheme 2023. Collection method: clinical testing. Allele origin: germline.
Comment: The c.165delC variant, located in coding exon 3 of the SPINK1 gene, results from a deletion of one nucleotide at nucleotide position 165, causing a translational frameshift with a predicted alternate stop codon (p.N56Mfs*39). This alteration occurs at the 3' terminus of theSPINK1 gene, is not expected to trigger nonsense-mediated mRNAdecay and results in the elongation of the protein by 14 amino acids. This frameshift impacts the last 30% of the native protein. However, frameshifts are typically deleterious in nature and the impacted region is critical for protein function (Ambry internal data). This variant is considered to be rare based on population cohorts in the Genome Aggregation Database (gnomAD). Based on the majority of available evidence to date, this variant is likely to be pathogenic.

Women's Health and Genetics/Laboratory Corporation of America, LabCorp
Classification: Uncertain significance. Last evaluated: 2020-11-13. Review status: criteria provided, single submitter. Criteria: LabCorp Variant Classification Summary - May 2015. Collection method: clinical testing. Allele origin: germline.
Comment: Variant summary: SPINK1 c.165delC (p.Asn56MetfsX39) causes a frameshift which results in an extension of the protein. The variant was absent in 250468 control chromosomes (gnomAD). The available data on variant occurrences in the general population are insufficient to allow any conclusion about variant significance. To our knowledge, no occurrence of c.165delC in individuals affected with Chronic Pancreatitis Risk and no experimental evidence demonstrating its impact on protein function have been reported. No clinical diagnostic laboratories have submitted clinical-significance assessments for this variant to ClinVar after 2014. Based on the evidence outlined above, the variant was classified as uncertain significance until evidence of clinical and/or functional importance becomes available.